The following is an entry in ClinVar:

NM_032590.5(KDM2B):c.344G>C (p.Gly115Ala)

Gene: KDM2B (lysine demethylase 2B; minus strand). Cytogenetic location: 12q24.31.
Variant type: single nucleotide variant.
Coding change: c.344G>C on transcript NM_032590.5 (MANE Select); coding-DNA position 344, G replaced by C.
Protein change: p.Gly115Ala; replaces glycine 115 with alanine.
Molecular consequence: missense variant.
Genome position (GRCh38, 1-based): chr12:121,575,787, C>G on the plus strand (G>C on the coding strand, the complement: KDM2B is on the minus strand). VCF-style: chr12-121575787-C-G. GRCh37 (hg19) VCF-style: chr12-122013692-C-G.
Other names: c.251G>C, p.Gly84Ala (NM_001005366.2, NM_001439020.1, NM_001439025.1 and 1 more transcripts); c.440G>C, p.Gly147Ala (NM_001439014.1, NM_001439015.1); c.344G>C, p.Gly115Ala (NM_001439016.1, NM_001439017.1, NM_001439018.1); c.233G>C, p.Gly78Ala (NM_001439021.1, NM_001439028.1); c.281G>C, p.Gly94Ala (NM_001439022.1, NM_001439023.1, NM_001439029.1); short protein forms G115A, G147A, G78A, G84A, G94A.
Identifiers: ClinVar variation 4689919 (VCV004689919.1).

ClinVar aggregate classification (germline): Uncertain significance (1 of 4 stars; one submission).

Submission:

GeneDx
Classification: Uncertain significance. Last evaluated: 2025-07-29. Review status: criteria provided, single submitter. Criteria: GeneDx Variant Classification Process June 2021. Collection method: clinical testing. Allele origin: germline. Affected: yes.
Comment: Not observed at significant frequency in large population cohorts (gnomAD); In silico analysis supports that this missense variant has a deleterious effect on protein structure/function; Has not been previously published as pathogenic or benign to our knowledge